The following is an entry in ClinVar:

ClinVar aggregate classification (germline): Uncertain significance (1 of 4 stars; one submission).

Conditions:
Hyperphosphatasia with impaired intellectual development syndrome 2. Also called: Hyperphosphatasia with intellectual disability syndrome 2; GLYCOSYLPHOSPHATIDYLINOSITOL BIOSYNTHESIS DEFECT 6. Identifiers: Orphanet 247262, MedGen C3553637, MONDO:0013882, OMIM 614749.

Allele frequency attached by ClinVar (database versions not stated): gnomAD exomes below 0.00001 and 0.00001; ExAC 0.00001.
gnomAD v4.1: 2 of 1,614,196 alleles (0.00012%); highest among the groups gnomAD compares: Admixed American, 0.0033%; no homozygotes.

Submission:

Labcorp Genetics (formerly Invitae), Labcorp
Classification: Uncertain significance for Hyperphosphatasia with impaired intellectual development syndrome 2. Last evaluated: 2022-07-12. Review status: criteria provided, single submitter. Criteria: Invitae Variant Classification Sherloc (09022015). Collection method: clinical testing. Allele origin: germline.
Comment: This sequence change replaces threonine, which is neutral and polar, with isoleucine, which is neutral and non-polar, at codon 541 of the PIGO protein (p.Thr541Ile). This variant is present in population databases (rs748438924, gnomAD 0.006%). This variant has not been reported in the literature in individuals affected with PIGO-related conditions. ClinVar contains an entry for this variant (Variation ID: 1517766). Algorithms developed to predict the effect of missense changes on protein structure and function (SIFT, PolyPhen-2, Align-GVGD) all suggest that this variant is likely to be tolerated. In summary, the available evidence is currently insufficient to determine the role of this variant in disease. Therefore, it has been classified as a Variant of Uncertain Significance.

NM_032634.4(PIGO):c.1622C>T (p.Thr541Ile)

Gene: PIGO (phosphatidylinositol glycan anchor biosynthesis class O; minus strand). Cytogenetic location: 9p13.3.
Variant type: single nucleotide variant.
Coding change: c.1622C>T on transcript NM_032634.4 (MANE Select); coding-DNA position 1622, C replaced by T.
Protein change: p.Thr541Ile; replaces threonine 541 with isoleucine.
Molecular consequence: missense variant. On other transcripts: intron variant (2).
Genome position (GRCh38, 1-based): chr9:35,092,265, G>A on the plus strand (C>T on the coding strand, the complement: PIGO is on the minus strand). VCF-style: chr9-35092265-G-A. GRCh37 (hg19) VCF-style: chr9-35092262-G-A.
Other names: c.1344+278C>T (NM_152850.4, NM_001201484.2); short protein forms T541I.
Identifiers: ClinVar variation 1517766 (VCV001517766.5), dbSNP rs748438924, ClinGen allele CA5040597.